The following is an entry in ClinVar:

ClinVar aggregate classification (germline): Uncertain significance (1 of 4 stars; one submission).

Conditions:
Alzheimer disease. Also called: Presenile and senile dementia; Alzheimer's disease. Identifiers: Orphanet 1020, MedGen C0002395, MeSH D000544, MONDO:0004975, HP:0002511.

Submission:

Illumina Laboratory Services, Illumina
Classification: Uncertain significance for Alzheimer disease type 1. Last evaluated: 2017-04-27. Review status: criteria provided, single submitter. Criteria: ICSL Variant Classification Criteria 13 December 2019. Collection method: clinical testing. Allele origin: germline.
Comment: This variant was observed as part of a predisposition screen in an ostensibly healthy population. A literature search was performed for the gene, cDNA change, and amino acid change (where applicable). Publications were found based on this search. However, the evidence from the literature, in combination with allele frequency data from public databases where available, was not sufficient to rule this variant in or out of causing disease. Therefore, this variant is classified as a variant of unknown significance.

Literature cited by the submitters: PubMed 24680827.

NM_000484.4(APP):c.751G>A (p.Gly251Ser)

Gene: APP (amyloid beta precursor protein; minus strand). Cytogenetic location: 21q21.3.
Variant type: single nucleotide variant.
Coding change: c.751G>A on transcript NM_000484.4 (MANE Select); coding-DNA position 751, G replaced by A.
Protein change: p.Gly251Ser; replaces glycine 251 with serine.
Molecular consequence: missense variant.
Genome position (GRCh38, 1-based): chr21:26,021,954, C>T on the plus strand (G>A on the coding strand, the complement: APP is on the minus strand). VCF-style: chr21-26021954-C-T. GRCh37 (hg19) VCF-style: chr21-27394270-C-T.
Other names: c.736G>A, p.Gly246Ser (NM_001136016.3); c.583G>A, p.Gly195Ser (NM_001136129.3, NM_001136130.3); c.646G>A, p.Gly216Ser (NM_001136131.3); c.751G>A, p.Gly251Ser (NM_001204301.2, NM_001204302.2, NM_001204303.2 and 3 more transcripts); short protein forms G251S, G216S, G246S, G195S.
Identifiers: ClinVar variation 898002 (VCV000898002.4), dbSNP rs2044360130, ClinGen allele CA409862238.